The following is an entry in ClinVar:

NM_000170.3(GLDC):c.2563G>A (p.Ala855Thr)

Gene: GLDC (glycine decarboxylase; minus strand). Cytogenetic location: 9p24.1.
Variant type: single nucleotide variant.
Coding change: c.2563G>A on transcript NM_000170.3 (MANE Select); coding-DNA position 2563, G replaced by A.
Protein change: p.Ala855Thr; replaces alanine 855 with threonine.
Molecular consequence: missense variant.
Genome position (GRCh38, 1-based): chr9:6,550,809, C>T on the plus strand (G>A on the coding strand, the complement: GLDC is on the minus strand). VCF-style: chr9-6550809-C-T. GRCh37 (hg19) VCF-style: chr9-6550809-C-T.
Other names: short protein forms A855T.
Identifiers: ClinVar variation 2105867 (VCV002105867.1), dbSNP rs751302524, ClinGen allele CA372875706.

ClinVar aggregate classification (germline): Uncertain significance (1 of 4 stars; one submission).

Conditions:
Glycine encephalopathy. Also called: Nonketotic hyperglycinemia; Non-ketotic hyperglycinemia. Identifiers: Orphanet 407, MedGen C0751748, MONDO:0011612, HP:0008288.

Submission:

Labcorp Genetics (formerly Invitae), Labcorp
Classification: Uncertain significance for Glycine encephalopathy. Last evaluated: 2022-03-04. Review status: criteria provided, single submitter. Criteria: Invitae Variant Classification Sherloc (09022015). Collection method: clinical testing. Allele origin: germline.
Comment: This sequence change replaces alanine, which is neutral and non-polar, with threonine, which is neutral and polar, at codon 855 of the GLDC protein (p.Ala855Thr). This variant is present in population databases (no rsID available, gnomAD 0.003%). This variant has not been reported in the literature in individuals affected with GLDC-related conditions. Advanced modeling of protein sequence and biophysical properties (such as structural, functional, and spatial information, amino acid conservation, physicochemical variation, residue mobility, and thermodynamic stability) performed at Invitae indicates that this missense variant is not expected to disrupt GLDC protein function. In summary, the available evidence is currently insufficient to determine the role of this variant in disease. Therefore, it has been classified as a Variant of Uncertain Significance.